The following is an entry in ClinVar:

ClinVar aggregate classification (germline): Uncertain significance. Review status: criteria provided, multiple submitters, no conflicts (2 of 4 stars). 2 submissions from 2 submitters: Uncertain significance (2). Last evaluated 2026-05-13.

Submissions (2):

Women's Health and Genetics/Laboratory Corporation of America, LabCorp
Classification: Uncertain significance. Last evaluated: 2026-05-13. Review status: criteria provided, single submitter. Criteria: LabCorp Variant Classification Summary - May 2015. Collection method: clinical testing. Allele origin: germline.
Comment: Variant summary: AEBP1 c.2750G>A (p.Gly917Asp) results in a non-conservative amino acid change in the encoded protein sequence. Algorithms developed to predict the effect of missense changes on protein structure and function are either unavailable or do not agree on the potential impact of this missense change. The variant allele was found at a frequency of 8e-06 in 250298 control chromosomes. The available data on variant occurrences in the general population are insufficient to allow any conclusion about variant significance. To our knowledge, no occurrence of c.2750G>A in individuals affected with AEBP1-related conditions and no experimental evidence demonstrating its impact on protein function have been reported. ClinVar contains an entry for this variant (Variation ID: 4086499). Based on the evidence outlined above, the variant was classified as uncertain significance.

GeneDx
Classification: Uncertain significance. Last evaluated: 2025-03-19. Review status: criteria provided, single submitter. Criteria: GeneDx Variant Classification Process June 2021. Collection method: clinical testing. Allele origin: germline. Affected: yes.
Comment: Not observed at significant frequency in large population cohorts (gnomAD); In silico analysis supports that this missense variant has a deleterious effect on protein structure/function; Has not been previously published as pathogenic or benign to our knowledge

NM_001129.5(AEBP1):c.2750G>A (p.Gly917Asp)

Gene: AEBP1 (AE binding protein 1; plus strand). Cytogenetic location: 7p13.
Variant type: single nucleotide variant.
Coding change: c.2750G>A on transcript NM_001129.5 (MANE Select); coding-DNA position 2750, G replaced by A.
Protein change: p.Gly917Asp; replaces glycine 917 with aspartic acid.
Molecular consequence: missense variant.
Genome position (GRCh38, 1-based): chr7:44,113,292, G>A. VCF-style: chr7-44113292-G-A. GRCh37 (hg19) VCF-style: chr7-44152891-G-A.
Other names: short protein forms G917D.
Identifiers: ClinVar variation 4086499 (VCV004086499.2).
Genomic context (GRCh38, chr7:44,113,292, plus strand): 5'-GCCCTCACCTGCTTCCCTAGGTGCACCGCGGCATTAAGGGGGTGGTGACGGACGAGCAAG[G>A]CATCCCCATTGCCAACGCCACCATCTCTGTGAGTGGCATTAATCACGGCGTGAAGACAGG-3'
Protein context (NP_001120.3, residues 907-927): GIKGVVTDEQ[Gly917Asp]IPIANATISV